The following is an entry in ClinVar:

ClinVar aggregate classification (germline): Likely benign. Review status: criteria provided, multiple submitters, no conflicts (2 of 4 stars). 2 submissions from 2 submitters: Likely benign (2). Last evaluated 2026-08-02.

Conditions:
NR3C2-related disorder. Also called: NR3C2-related condition; NR3C2-related disorders.

gnomAD v4.1: 204 of 1,614,212 alleles (0.013%); highest among the groups gnomAD compares: South Asian, 0.2%; 3 homozygotes.

Submissions (2):

PreventionGenetics, part of Exact Sciences
Classification: Likely benign for NR3C2-related condition. Last evaluated: 2026-08-02. Review status: criteria provided, single submitter. Criteria: ACMG Guidelines, 2015. Collection method: clinical testing. Allele origin: germline.
Comment: This variant is classified as likely benign based on ACMG/AMP sequence variant interpretation guidelines (Richards et al. 2015 PMID: 25741868, with internal and published modifications).

Labcorp Genetics (formerly Invitae), Labcorp
Classification: Likely benign. Last evaluated: 2025-10-18. Review status: criteria provided, single submitter. Criteria: Invitae Variant Classification Sherloc (09022015). Collection method: clinical testing. Allele origin: germline.

NM_000901.5(NR3C2):c.232A>G (p.Asn78Asp)

Gene: NR3C2 (nuclear receptor subfamily 3 group C member 2; minus strand). Cytogenetic location: 4q31.23.
Variant type: single nucleotide variant.
Coding change: c.232A>G on transcript NM_000901.5 (MANE Select); coding-DNA position 232, A replaced by G.
Protein change: p.Asn78Asp; replaces asparagine 78 with aspartic acid.
Molecular consequence: missense variant. On other transcripts: non-coding transcript variant (1).
Genome position (GRCh38, 1-based): chr4:148,436,629, T>C on the plus strand (A>G on the coding strand, the complement: NR3C2 is on the minus strand). VCF-style: chr4-148436629-T-C. GRCh37 (hg19) VCF-style: chr4-149357781-T-C.
Other names: c.232A>G (NM_000901.4); c.232A>G, p.Asn78Asp (NM_001166104.2, NM_001354819.1); short protein forms N78D.
Identifiers: ClinVar variation 3621337 (VCV003621337.3).